The following is an entry in ClinVar:

NM_001040167.2(LFNG):c.1008G>A (p.Met336Ile)

Gene: LFNG (LFNG O-fucosylpeptide 3-beta-N-acetylglucosaminyltransferase; plus strand). Cytogenetic location: 7p22.3.
Variant type: single nucleotide variant.
Coding change: c.1008G>A on transcript NM_001040167.2 (MANE Select); coding-DNA position 1008, G replaced by A.
Protein change: p.Met336Ile; replaces methionine 336 with isoleucine.
Molecular consequence: missense variant.
Genome position (GRCh38, 1-based): chr7:2,526,856, G>A. VCF-style: chr7-2526856-G-A. GRCh37 (hg19) VCF-style: chr7-2566490-G-A.
Other names: c.1008G>A, p.Met336Ile (NM_001040168.2); c.795G>A, p.Met265Ile (NM_001166355.2); c.621G>A, p.Met207Ile (NM_002304.3); short protein forms M265I, M207I, M336I.
Identifiers: ClinVar variation 1986968 (VCV001986968.3), dbSNP rs141903867, ClinGen allele CA4127246.
Genomic context (GRCh38, chr7:2,526,856, plus strand): 5'-GTCGGGCCCCTCCCGGCATCACTCCGCCCGCTCCCCACAGGTGACGCTGAGCTACGGTAT[G>A]TTTGAAAACAAGCGGAACGCCGTCCACGTGAAGGGGCCCTTCTCGGTGGAGGCCGACCCA-3'
Protein context (NP_001035257.1, residues 326-346): LHEQVTLSYG[Met336Ile]FENKRNAVHV

ClinVar aggregate classification (germline): Uncertain significance (1 of 4 stars; one submission).

Conditions:
Spondylocostal dysostosis 3, autosomal recessive (SCDO3). Also called: LFNG-Related Spondylocostal Dysostosis, Autosomal Recessive. Identifiers: Orphanet 2311, MedGen C1853296, MONDO:0012349, OMIM 609813.

Allele frequency attached by ClinVar (database versions not stated): ExAC 0.00005; gnomAD 0.00009; TOPMed 0.00014; ESP Exome Variant Server 0.00015; 1000 Genomes Project 0.00020; 1000 Genomes Project 30x 0.00031.
gnomAD v4.1: 29 of 1,612,534 alleles (0.0018%); highest among the groups gnomAD compares: African/African-American, 0.036%; no homozygotes.

Submission:

Labcorp Genetics (formerly Invitae), Labcorp
Classification: Uncertain significance for Spondylocostal dysostosis 3, autosomal recessive. Last evaluated: 2025-12-03. Review status: criteria provided, single submitter. Criteria: Invitae Variant Classification Sherloc (09022015). Collection method: clinical testing. Allele origin: germline.
Comment: This sequence change replaces methionine, which is neutral and non-polar, with isoleucine, which is neutral and non-polar, at codon 336 of the LFNG protein (p.Met336Ile). This variant is present in population databases (rs141903867, gnomAD 0.05%). This variant has not been reported in the literature in individuals affected with LFNG-related conditions. ClinVar contains an entry for this variant (Variation ID: 1986968). Invitae Evidence Modeling of protein sequence and biophysical properties (such as structural, functional, and spatial information, amino acid conservation, physicochemical variation, residue mobility, and thermodynamic stability) indicates that this missense variant is not expected to disrupt LFNG protein function with a negative predictive value of 80%. In summary, the available evidence is currently insufficient to determine the role of this variant in disease. Therefore, it has been classified as a Variant of Uncertain Significance.